The following is an entry in ClinVar:

NM_004369.4(COL6A3):c.4006G>A (p.Val1336Ile)

Gene: COL6A3 (collagen type VI alpha 3 chain; minus strand). Cytogenetic location: 2q37.3.
Variant type: single nucleotide variant.
Coding change: c.4006G>A on transcript NM_004369.4 (MANE Select); coding-DNA position 4006, G replaced by A.
Protein change: p.Val1336Ile; replaces valine 1336 with isoleucine.
Molecular consequence: missense variant.
Genome position (GRCh38, 1-based): chr2:237,372,011, C>T on the plus strand (G>A on the coding strand, the complement: COL6A3 is on the minus strand). VCF-style: chr2-237372011-C-T. GRCh37 (hg19) VCF-style: chr2-238280654-C-T.
Other names: c.2785G>A, p.Val929Ile (NM_057164.5); c.3388G>A, p.Val1130Ile (NM_057165.5, NM_057167.4); c.2185G>A, p.Val729Ile (NM_057166.5); short protein forms V1336I, V1130I, V929I, V729I.
Identifiers: ClinVar variation 218630 (VCV000218630.61), dbSNP rs144051775, ClinGen allele CA248984.

ClinVar aggregate classification (germline): Conflicting classifications of pathogenicity. Review status: criteria provided, conflicting classifications (1 of 4 stars). 6 submissions from 6 submitters: Uncertain significance (1); Benign (1); Likely benign (3). 1 of the submissions does not count toward it. Last evaluated 2026-09-01.

Conditions:
COL6A3-related disorder. Also called: COL6A3-related condition; COL6A3-related disorders.
Bethlem myopathy 1A. Also called: MYOPATHY, BENIGN CONGENITAL, WITH CONTRACTURES; Bethlem myopathy 1; Bethlem Muscular Dystrophy. Identifiers: Orphanet 610, MedGen CN029274, MONDO:0024530, OMIM 158810.

Allele frequency attached by ClinVar (database versions not stated): ESP Exome Variant Server 0.00008; gnomAD exomes 0.00016 and 0.00068; gnomAD 0.00017 and 0.00020; TOPMed 0.00039; ExAC 0.00057; 1000 Genomes Project 0.00100; 1000 Genomes Project 30x 0.00109.
gnomAD v4.1: 266 of 1,614,132 alleles (0.016%); highest among the groups gnomAD compares: Admixed American, 0.37%; 2 homozygotes.

Submissions (6):

CeGaT Center for Human Genetics Tuebingen
Classification: Likely benign. Last evaluated: 2026-09-01. Review status: criteria provided, single submitter. Criteria: CeGaT Center For Human Genetics Tuebingen Variant Classification Criteria Version 2. Collection method: clinical testing. Allele origin: germline. Affected: yes. Observed: 4 variant alleles.
Comment: COL6A3: BP4

Labcorp Genetics (formerly Invitae), Labcorp
Classification: Likely benign for Bethlem myopathy 1A. Last evaluated: 2026-01-22. Review status: criteria provided, single submitter. Criteria: Invitae Variant Classification Sherloc (09022015). Collection method: clinical testing. Allele origin: germline.

GeneDx
Classification: Likely benign. Last evaluated: 2022-07-06. Review status: criteria provided, single submitter. Criteria: GeneDx Variant Classification Process June 2021. Collection method: clinical testing. Allele origin: germline. Affected: yes.
Comment: See Variant Classification Assertion Criteria.

Eurofins Ntd Llc (ga)
Classification: Benign. Last evaluated: 2015-12-09. Review status: criteria provided, single submitter. Criteria: EGL Classification Definitions 2015. Collection method: clinical testing. Allele origin: germline. Observed: 2 variant alleles, 2 heterozygotes.

Genomic Diagnostic Laboratory, Division of Genomic Diagnostics, Children's Hospital of Philadelphia
Classification: Uncertain significance. Last evaluated: 2015-07-01. Review status: criteria provided, single submitter. Criteria: DGD Variant Analysis Guidelines. Collection method: clinical testing. Allele origin: unknown.

PreventionGenetics, part of Exact Sciences
Classification: Likely benign for COL6A3-related condition. Last evaluated: 2022-10-06. Review status: no assertion criteria provided. Collection method: clinical testing. Allele origin: germline. Not counted in ClinVar's aggregate classification.
Comment: This variant is classified as likely benign based on ACMG/AMP sequence variant interpretation guidelines (Richards et al. 2015 PMID: 25741868, with internal and published modifications).